The following is an entry in ClinVar:

ClinVar aggregate classification (germline): Uncertain significance. Review status: criteria provided, multiple submitters, no conflicts (2 of 4 stars). 2 submissions from 2 submitters: Uncertain significance (2). Last evaluated 2026-06-17.

Conditions:
Inborn genetic diseases. Identifiers: MedGen C0950123, MeSH D030342.

Submissions (2):

Ambry Genetics
Classification: Uncertain significance for Inborn genetic diseases. Last evaluated: 2026-06-17. Review status: criteria provided, single submitter. Criteria: Ambry Variant Classification Scheme 2023. Collection method: clinical testing. Allele origin: germline.
Comment: The p.C1537W variant (also known as c.4611C>G), located in coding exon 13 of the ASXL1 gene, results from a C to G substitution at nucleotide position 4611. The cysteine at codon 1537 is replaced by tryptophan, an amino acid with highly dissimilar properties. This amino acid position is conserved. In addition, this alteration is predicted to be deleterious by in silico analysis. Based on the available evidence, the clinical significance of this variant remains unclear.

GeneDx
Classification: Uncertain significance. Last evaluated: 2021-04-13. Review status: criteria provided, single submitter. Criteria: GeneDx Variant Classification Process June 2021. Collection method: clinical testing. Allele origin: germline. Affected: yes.
Comment: Has not been previously published as pathogenic or benign to our knowledge; Not observed in large population cohorts (Lek et al., 2016); In silico analysis supports that this missense variant has a deleterious effect on protein structure/function

NM_015338.6(ASXL1):c.4611C>G (p.Cys1537Trp)

Gene: ASXL1 (ASXL transcriptional regulator 1; plus strand). Cytogenetic location: 20q11.21.
Variant type: single nucleotide variant.
Coding change: c.4611C>G on transcript NM_015338.6 (MANE Select); coding-DNA position 4611, C replaced by G.
Protein change: p.Cys1537Trp; replaces cysteine 1537 with tryptophan.
Molecular consequence: missense variant.
Genome position (GRCh38, 1-based): chr20:32,437,323, C>G. VCF-style: chr20-32437323-C-G. GRCh37 (hg19) VCF-style: chr20-31025126-C-G.
Other names: c.4428C>G, p.Cys1476Trp (NM_001363734.1); short protein forms C1476W, C1537W.
Identifiers: ClinVar variation 1321063 (VCV001321063.3), dbSNP rs376413080, ClinGen allele CA408565554.
Genomic context (GRCh38, chr20:32,437,323, plus strand): 5'-AGGCTGCGGTGCGTTCTGTCACGATGACTGTATTGGACCCTCAAAGCTCTGTGTATTGTG[C>G]CTTGTGGTGAGATAATAAATTATGGCCATGGGAAACATTGTATATTTAGTGTGTGTATTT-3'
Protein context (NP_056153.2, residues 1527-1541): CIGPSKLCVL[Cys1537Trp]LVVR